The following is an entry in ClinVar:

NM_001256545.2(MEGF10):c.541C>T (p.Arg181Cys)

Gene: MEGF10 (multiple EGF like domains 10; plus strand). Cytogenetic location: 5q23.2.
Variant type: single nucleotide variant.
Coding change: c.541C>T on transcript NM_001256545.2 (MANE Select); coding-DNA position 541, C replaced by T.
Protein change: p.Arg181Cys; replaces arginine 181 with cysteine.
Molecular consequence: missense variant.
Genome position (GRCh38, 1-based): chr5:127,396,660, C>T. VCF-style: chr5-127396660-C-T. GRCh37 (hg19) VCF-style: chr5-126732352-C-T.
Other names: c.541C>T, p.Arg181Cys (NM_001308119.2, NM_001308121.2, NM_032446.3); short protein forms R181C.
Identifiers: ClinVar variation 539963 (VCV000539963.5), dbSNP rs764996899, ClinGen allele CA3391322.
Genomic context (GRCh38, chr5:127,396,660, plus strand): 5'-AACCCCATCACCGGGGCTTGCCACTGTGCTGCGGGCTTCCGGGGCTGGCGCTGCGAGGAC[C>T]GCTGTGAGCAGGGCACCTATGGTAACGACTGTCATCAGAGATGCCAGTGCCAGAATGGAG-3'
Protein context (NP_001243474.1, residues 171-191): AGFRGWRCED[Arg181Cys]CEQGTYGNDC

ClinVar aggregate classification (germline): Uncertain significance (1 of 4 stars; one submission).

Conditions:
MEGF10-related myopathy (CMYO10A). Also called: Congenital myopathy 10A, severe variant. Identifiers: Orphanet 439212, MedGen C3280679, MONDO:0013731, OMIM 614399.

Allele frequency attached by ClinVar (database versions not stated): TOPMed below 0.00001; gnomAD 0.00001; gnomAD exomes 0.00001; ExAC 0.00003.
gnomAD v4.1: 24 of 1,613,958 alleles (0.0015%); highest among the groups gnomAD compares: East Asian, 0.016%; no homozygotes.

Submission:

Labcorp Genetics (formerly Invitae), Labcorp
Classification: Uncertain significance for MEGF10-related myopathy. Last evaluated: 2022-08-16. Review status: criteria provided, single submitter. Criteria: Invitae Variant Classification Sherloc (09022015). Collection method: clinical testing. Allele origin: germline.
Comment: In summary, the available evidence is currently insufficient to determine the role of this variant in disease. Therefore, it has been classified as a Variant of Uncertain Significance. Algorithms developed to predict the effect of missense changes on protein structure and function (SIFT, PolyPhen-2, Align-GVGD) all suggest that this variant is likely to be disruptive. ClinVar contains an entry for this variant (Variation ID: 539963). This variant has not been reported in the literature in individuals affected with MEGF10-related conditions. This variant is present in population databases (rs764996899, gnomAD 0.006%). This sequence change replaces arginine, which is basic and polar, with cysteine, which is neutral and slightly polar, at codon 181 of the MEGF10 protein (p.Arg181Cys).